The following is an entry in ClinVar:

ClinVar aggregate classification (germline): Uncertain significance (0 of 4 stars; one submission).

Conditions:
SEMA3C-related disorder. Also called: SEMA3C-related condition.

gnomAD v4.1: 16 of 1,288,900 alleles (0.0012%); highest among the groups gnomAD compares: Middle Eastern, 0.021%; no homozygotes.

Submission:

PreventionGenetics, part of Exact Sciences
Classification: Uncertain significance for SEMA3C-related condition. Last evaluated: 2024-02-11. Review status: no assertion criteria provided. Collection method: clinical testing. Allele origin: germline.
Comment: The SEMA3C c.10A>C variant is predicted to result in the amino acid substitution p.Lys4Gln. To our knowledge, this variant has not been reported in the literature. This variant is reported in 0.0041% of alleles in individuals of Latino descent in gnomAD. At this time, the clinical significance of this variant is uncertain due to the absence of conclusive functional and genetic evidence.

NM_001350120.2(SEMA3C):c.10A>C (p.Lys4Gln)

Gene: SEMA3C (semaphorin 3C; minus strand). Cytogenetic location: 7q21.11.
Variant type: single nucleotide variant.
Coding change: c.10A>C on transcript NM_001350120.2; coding-DNA position 10, A replaced by C.
Protein change: p.Lys4Gln; replaces lysine 4 with glutamine.
Molecular consequence: missense variant.
Genome position (GRCh38, 1-based): chr7:80,922,271, T>G on the plus strand (A>C on the coding strand, the complement: SEMA3C is on the minus strand). VCF-style: chr7-80922271-T-G. GRCh37 (hg19) VCF-style: chr7-80551587-T-G.
Other names: short protein forms K4Q.
Identifiers: ClinVar variation 3352178 (VCV003352178.1).